The following is an entry in ClinVar:

ClinVar aggregate classification (germline): Uncertain significance. Review status: criteria provided, multiple submitters, no conflicts (2 of 4 stars). 4 submissions from 3 submitters: Uncertain significance (4). Last evaluated 2025-01-27.

Conditions:
Inborn genetic diseases. Identifiers: MedGen C0950123, MeSH D030342.
Ectopia lentis 2, isolated, autosomal recessive (ECTOL2). Identifiers: Orphanet 1885, MedGen C3541474, MONDO:0009152, OMIM 225100.
Ectopia lentis et pupillae. Also called: ECTOPIA LENTIS WITH ECTOPIA OF PUPIL. Identifiers: Orphanet 1885, MedGen C1644196, MONDO:0009153, OMIM 225200.

Allele frequency attached by ClinVar (database versions not stated): TOPMed below 0.00001; ExAC 0.00002; gnomAD exomes 0.00002.
gnomAD v4.1: 11 of 1,613,970 alleles (0.00068%); highest among the groups gnomAD compares: Admixed American, 0.018%; no homozygotes.

Submissions (4):

Labcorp Genetics (formerly Invitae), Labcorp
Classification: Uncertain significance. Last evaluated: 2025-01-27. Review status: criteria provided, single submitter. Criteria: Invitae Variant Classification Sherloc (09022015). Collection method: clinical testing. Allele origin: germline.
Comment: This sequence change replaces glutamic acid, which is acidic and polar, with lysine, which is basic and polar, at codon 994 of the ADAMTSL4 protein (p.Glu994Lys). This variant is present in population databases (rs756215120, gnomAD 0.03%). This variant has not been reported in the literature in individuals affected with ADAMTSL4-related conditions. ClinVar contains an entry for this variant (Variation ID: 1936000). Invitae Evidence Modeling of protein sequence and biophysical properties (such as structural, functional, and spatial information, amino acid conservation, physicochemical variation, residue mobility, and thermodynamic stability) has been performed for this missense variant. However, the output from this modeling did not meet the statistical confidence thresholds required to predict the impact of this variant on ADAMTSL4 protein function. In summary, the available evidence is currently insufficient to determine the role of this variant in disease. Therefore, it has been classified as a Variant of Uncertain Significance.

Genome-Nilou Lab
Classification: Uncertain significance for Ectopia lentis et pupillae. Last evaluated: 2023-04-11. Review status: criteria provided, single submitter. Criteria: ACMG Guidelines, 2015. Collection method: clinical testing. Allele origin: germline. Affected: no.

Genome-Nilou Lab
Classification: Uncertain significance for Ectopia lentis 2, isolated, autosomal recessive. Last evaluated: 2023-04-11. Review status: criteria provided, single submitter. Criteria: ACMG Guidelines, 2015. Collection method: clinical testing. Allele origin: germline. Affected: no.

Ambry Genetics
Classification: Uncertain significance for Inborn genetic diseases. Last evaluated: 2022-12-16. Review status: criteria provided, single submitter. Criteria: Ambry Variant Classification Scheme 2023. Collection method: clinical testing. Allele origin: germline.

NM_019032.6(ADAMTSL4):c.2980G>A (p.Glu994Lys)

Gene: ADAMTSL4 (ADAMTS like 4; plus strand). Cytogenetic location: 1q21.2.
Variant type: single nucleotide variant.
Coding change: c.2980G>A on transcript NM_019032.6 (MANE Select); coding-DNA position 2980, G replaced by A.
Protein change: p.Glu994Lys; replaces glutamic acid 994 with lysine.
Molecular consequence: missense variant.
Genome position (GRCh38, 1-based): chr1:150,559,797, G>A. VCF-style: chr1-150559797-G-A. GRCh37 (hg19) VCF-style: chr1-150532273-G-A.
Other names: c.2863G>A, p.Glu955Lys (NM_001288607.2); c.3049G>A, p.Glu1017Lys (NM_001288608.2); c.2980G>A, p.Glu994Lys (NM_001378596.1); short protein forms E1017K, E955K, E994K.
Identifiers: ClinVar variation 1936000 (VCV001936000.6), dbSNP rs756215120, ClinGen allele CA1078917.
Genomic context (GRCh38, chr1:150,559,797, plus strand): 5'-ATATGATGGCTGGGGTCGCCCCAGTGTTCTCGCTCCTGCCAAGGGGGAACGCAGACACGG[G>A]AGGTCCAGTGCCTGAGCACCAACCAGACCCTCAGCACCCGATGCCCTCCTCAACTGCGGC-3'
Protein context (NP_061905.2, residues 984-1004): RSCQGGTQTR[Glu994Lys]VQCLSTNQTL